The following is an entry in ClinVar:

ClinVar aggregate classification (germline): Pathogenic/Likely pathogenic. Review status: criteria provided, multiple submitters, no conflicts (2 of 4 stars). 3 submissions from 3 submitters: Pathogenic (1); Likely pathogenic (1). 1 of the submissions does not count toward it. Last evaluated 2023-05-19.

Conditions:
LRAT-related disorder. Also called: LRAT-related condition.
RETINAL DYSTROPHY, EARLY-ONSET SEVERE, LRAT-RELATED. Identifiers: MedGen C2750064, OMIM 613341.

Submissions (3):

Labcorp Genetics (formerly Invitae), Labcorp
Classification: Pathogenic. Last evaluated: 2023-05-19. Review status: criteria provided, single submitter. Criteria: Invitae Variant Classification Sherloc (09022015). Collection method: clinical testing. Allele origin: germline.
Comment: This premature translational stop signal has been observed in individual(s) with LRAT-related conditions (PMID: 11381255). This sequence change creates a premature translational stop signal (p.Lys134Glyfs*12) in the LRAT gene. It is expected to result in an absent or disrupted protein product. Loss-of-function variants in LRAT are known to be pathogenic (PMID: 22559933, 24265693). This variant is present in population databases (rs761717462, gnomAD 0.0009%). This variant is also known as c.396delAA. ClinVar contains an entry for this variant (Variation ID: 5335). For these reasons, this variant has been classified as Pathogenic.

Blueprint Genetics
Classification: Likely pathogenic for LRAT-related disorders. Last evaluated: 2019-01-12. Review status: criteria provided, single submitter. Criteria: ACMG Guidelines, 2015. Collection method: clinical testing. Allele origin: germline. Affected: yes. Observed: 1 variant allele.

OMIM
Classification: Pathogenic for RETINAL DYSTROPHY, EARLY-ONSET SEVERE, LRAT-RELATED. Last evaluated: 2001-06-01. Review status: no assertion criteria provided. Collection method: literature only. Allele origin: germline. Not counted in ClinVar's aggregate classification.

Literature cited by the submitters: PubMed 11381255 (cited by Labcorp Genetics (formerly Invitae), Labcorp and OMIM); PubMed 22559933 (cited by Labcorp Genetics (formerly Invitae), Labcorp); PubMed 24265693 (cited by Labcorp Genetics (formerly Invitae), Labcorp).

NM_004744.5(LRAT):c.400_401del (p.Lys134fs)

Gene: LRAT (lecithin retinol acyltransferase; plus strand). Cytogenetic location: 4q32.1.
Variant type: Deletion.
Coding change: c.400_401del on transcript NM_004744.5 (MANE Select); coding-DNA positions 400 to 401, 2 bases deleted (AA; older notation c.400_401delAA).
Protein change: p.Lys134fs; shifts the reading frame from lysine 134.
Molecular consequence: frameshift variant.
Genome position (GRCh38, 1-based): chr4:154,744,726-154,744,727, AA deleted; deleting any 2 consecutive bases within chr4:154,744,723-154,744,727 gives the same sequence; the c. name uses the placement nearest the transcript's 3' end. VCF-style (leftmost placement, unchanged base first): chr4-154744722-GAA-G. GRCh37 (hg19) VCF-style: chr4-155665874-GAA-G.
Other names: c.400_401del, p.Lys134fs (NM_001301645.2); short protein forms K134fs.
Identifiers: ClinVar variation 5335 (VCV000005335.6), dbSNP rs761717462, ClinGen allele CA3115862.